The following is an entry in ClinVar:

NM_017755.6(NSUN2):c.1868C>G (p.Ser623Ter)

Gene: NSUN2 (NOP2/Sun RNA methyltransferase 2; minus strand). Cytogenetic location: 5p15.31.
Variant type: single nucleotide variant.
Coding change: c.1868C>G on transcript NM_017755.6 (MANE Select); coding-DNA position 1868, C replaced by G.
Protein change: p.Ser623Ter; replaces serine 623 with a stop codon.
Molecular consequence: nonsense. On other transcripts: non-coding transcript variant (1).
Genome position (GRCh38, 1-based): chr5:6,604,227, G>C on the plus strand (C>G on the coding strand, the complement: NSUN2 is on the minus strand). VCF-style: chr5-6604227-G-C. GRCh37 (hg19) VCF-style: chr5-6604340-G-C.
Other names: c.1763C>G, p.Ser588Ter (NM_001193455.2); short protein forms S588*, S623*.
Identifiers: ClinVar variation 2699555 (VCV002699555.3), dbSNP rs2477398815, ClinGen allele CA359114512.

ClinVar aggregate classification (germline): Pathogenic (1 of 4 stars; one submission).

Submission:

Labcorp Genetics (formerly Invitae), Labcorp
Classification: Pathogenic. Last evaluated: 2023-11-28. Review status: criteria provided, single submitter. Criteria: Invitae Variant Classification Sherloc (09022015). Collection method: clinical testing. Allele origin: germline.
Comment: This sequence change creates a premature translational stop signal (p.Ser623*) in the NSUN2 gene. It is expected to result in an absent or disrupted protein product. Loss-of-function variants in NSUN2 are known to be pathogenic (PMID: 22541559, 22577224). This variant is not present in population databases (gnomAD no frequency). This variant has not been reported in the literature in individuals affected with NSUN2-related conditions. Algorithms developed to predict the effect of sequence changes on RNA splicing suggest that this variant may disrupt the consensus splice site. For these reasons, this variant has been classified as Pathogenic.

Literature cited by the submitters: PubMed 22541559; PubMed 22577224.